The following is an entry in ClinVar:

NM_002103.5(GYS1):c.1261G>C (p.Asp421His)

Gene: GYS1 (glycogen synthase 1; minus strand). Cytogenetic location: 19q13.33.
Variant type: single nucleotide variant.
Coding change: c.1261G>C on transcript NM_002103.5 (MANE Select); coding-DNA position 1261, G replaced by C.
Protein change: p.Asp421His; replaces aspartic acid 421 with histidine.
Molecular consequence: missense variant. On other transcripts: non-coding transcript variant (1).
Genome position (GRCh38, 1-based): chr19:48,977,971, C>G on the plus strand (G>C on the coding strand, the complement: GYS1 is on the minus strand). VCF-style: chr19-48977971-C-G. GRCh37 (hg19) VCF-style: chr19-49481228-C-G.
Other names: c.1069G>C, p.Asp357His (NM_001161587.2); short protein forms D421H, D357H.
Identifiers: ClinVar variation 1438400 (VCV001438400.8), dbSNP rs763908374, ClinGen allele CA309391539.
Genomic context (GRCh38, chr19:48,977,971, plus strand): 5'-GTCCAATCCATACCTGCGTTGCAAAGATGGCTCTCTTCATCATAGTGAAGTCTTCCTTAT[C>G]CAGCATCTTGTTCATGTCGGGAAGGCTCCCACTGCAAGGCAAGCAGGGGCATGCATGTGA-3'
Protein context (NP_002094.2, residues 411-431): GSLPDMNKML[Asp421His]KEDFTMMKRA

ClinVar aggregate classification (germline): Uncertain significance (1 of 4 stars; one submission).

Conditions:
Glycogen storage disease due to muscle and heart glycogen synthase deficiency. Also called: GSD 0b; MUSCLE GLYCOGEN SYNTHASE DEFICIENCY. Identifiers: Orphanet 137625, MedGen C1969054, MONDO:0012693, OMIM 611556.

Allele frequency attached by ClinVar (database versions not stated): gnomAD exomes below 0.00001; gnomAD 0.00001; TOPMed 0.00001.
gnomAD v4.1: 8 of 1,613,852 alleles (0.0005%); highest among the groups gnomAD compares: Non-Finnish European, 0.00059%; no homozygotes.

Submission:

Labcorp Genetics (formerly Invitae), Labcorp
Classification: Uncertain significance for Glycogen storage disease due to muscle and heart glycogen synthase deficiency. Last evaluated: 2022-08-16. Review status: criteria provided, single submitter. Criteria: Invitae Variant Classification Sherloc (09022015). Collection method: clinical testing. Allele origin: germline.
Comment: In summary, the available evidence is currently insufficient to determine the role of this variant in disease. Therefore, it has been classified as a Variant of Uncertain Significance. Algorithms developed to predict the effect of missense changes on protein structure and function are either unavailable or do not agree on the potential impact of this missense change (SIFT: "Tolerated"; PolyPhen-2: "Probably Damaging"; Align-GVGD: "Class C0"). This sequence change replaces aspartic acid, which is acidic and polar, with histidine, which is basic and polar, at codon 421 of the GYS1 protein (p.Asp421His). ClinVar contains an entry for this variant (Variation ID: 1438400). This variant has not been reported in the literature in individuals affected with GYS1-related conditions. This variant is present in population databases (rs763908374, gnomAD 0.0009%).